The following is an entry in ClinVar:

ClinVar aggregate classification (germline): Pathogenic. Review status: criteria provided, multiple submitters, no conflicts (2 of 4 stars). 5 submissions from 5 submitters: Pathogenic (5). Last evaluated 2025-11-24.

Conditions:
Hereditary cancer-predisposing syndrome. Also called: Hereditary neoplastic syndrome; Neoplastic Syndromes, Hereditary; Hereditary Cancer Syndrome; Tumor predisposition. Identifiers: Orphanet 140162, MedGen C0027672, MeSH D009386, MONDO:0015356.
Familial cancer of breast. Also called: BREAST CANCER, FAMILIAL; Hereditary breast cancer; hereditary breast carcinoma. Identifiers: Orphanet 227535, MedGen C0346153, MONDO:0016419, OMIM 114480. Disease mechanism: loss of function.

Submissions (5):

Color Diagnostics, LLC DBA Color Health
Classification: Pathogenic for Hereditary cancer-predisposing syndrome. Last evaluated: 2025-11-24. Review status: criteria provided, single submitter. Criteria: ACMG Guidelines, 2015. Collection method: clinical testing. Allele origin: germline.
Comment: This variant changes 1 nucleotide in exon 4 of the PALB2 gene, creating a premature translation stop signal. This variant is expected to result in an absent or non-functional protein product. To our knowledge, this variant has not been reported in individuals affected with PALB2-related disorders in the literature. A different nucleotide substitution resulting in a nonsense mutation at the same codon, c.1448C>G (p.Ser483*), has been reported in an individual affected with breast cancer (PMID: 29263802). This variant has not been identified in the general population by the Genome Aggregation Database (gnomAD). Loss of PALB2 function is a known mechanism of disease. Based on the available evidence, this variant is classified as Pathogenic.

Ambry Genetics
Classification: Pathogenic for Hereditary cancer-predisposing syndrome. Last evaluated: 2025-09-09. Review status: criteria provided, single submitter. Criteria: Ambry Variant Classification Scheme 2023. Collection method: clinical testing. Allele origin: germline.
Comment: The p.S483* pathogenic mutation (also known as c.1448C>A), located in coding exon 4 of the PALB2 gene, results from a C to A substitution at nucleotide position 1448. This changes the amino acid from a serine to a stop codon within coding exon 4. This variant is considered to be rare based on population cohorts in the Genome Aggregation Database (gnomAD). This alteration is expected to result in loss of function by premature protein truncation or nonsense-mediated mRNA decay. As such, this alteration is interpreted as a disease-causing mutation.

Labcorp Genetics (formerly Invitae), Labcorp
Classification: Pathogenic for Familial cancer of breast. Last evaluated: 2024-07-31. Review status: criteria provided, single submitter. Criteria: Invitae Variant Classification Sherloc (09022015). Collection method: clinical testing. Allele origin: germline.
Comment: This sequence change creates a premature translational stop signal (p.Ser483*) in the PALB2 gene. It is expected to result in an absent or disrupted protein product. Loss-of-function variants in PALB2 are known to be pathogenic (PMID: 17200668, 17200671, 17200672, 24136930, 25099575). This variant is not present in population databases (gnomAD no frequency). This premature translational stop signal has been observed in individual(s) with breast cancer (PMID: 29263802). ClinVar contains an entry for this variant (Variation ID: 530155). For these reasons, this variant has been classified as Pathogenic.

GeneDx
Classification: Pathogenic. Last evaluated: 2024-02-21. Review status: criteria provided, single submitter. Criteria: GeneDx Variant Classification Process June 2021. Collection method: clinical testing. Allele origin: germline. Affected: yes.
Comment: Nonsense variant predicted to result in protein truncation or nonsense mediated decay in a gene for which loss of function is a known mechanism of disease; Not observed in large population cohorts (gnomAD); Truncating variants in this gene are considered pathogenic by a well-established clinical consortium and/or database; Has not been previously published as pathogenic or benign to our knowledge; This variant is associated with the following publications: (PMID: 25337758)

Myriad Genetics, Inc.
Classification: Pathogenic for Familial cancer of breast. Last evaluated: 2023-09-08. Review status: criteria provided, single submitter. Criteria: Myriad Autosomal Dominant, Autosomal Recessive and X-Linked Classification Criteria (2023). Collection method: clinical testing. Allele origin: unknown.
Comment: This variant is considered pathogenic. This variant creates a termination codon and is predicted to result in premature protein truncation.

Literature cited by the submitters: PubMed 29263802 (cited by 3 submitters); PubMed 17200668 (cited by Labcorp Genetics (formerly Invitae), Labcorp); PubMed 17200671 (cited by Labcorp Genetics (formerly Invitae), Labcorp); PubMed 17200672 (cited by Labcorp Genetics (formerly Invitae), Labcorp); PubMed 24136930 (cited by Labcorp Genetics (formerly Invitae), Labcorp); PubMed 25099575 (cited by Labcorp Genetics (formerly Invitae), Labcorp).

NM_024675.4(PALB2):c.1448C>A (p.Ser483Ter)

Gene: PALB2 (partner and localizer of BRCA2; minus strand). Cytogenetic location: 16p12.2.
Variant type: single nucleotide variant.
Coding change: c.1448C>A on transcript NM_024675.4 (MANE Select); coding-DNA position 1448, C replaced by A.
Protein change: p.Ser483Ter; replaces serine 483 with a stop codon.
Molecular consequence: nonsense.
Genome position (GRCh38, 1-based): chr16:23,635,098, G>T on the plus strand (C>A on the coding strand, the complement: PALB2 is on the minus strand). VCF-style: chr16-23635098-G-T. GRCh37 (hg19) VCF-style: chr16-23646419-G-T.
Other names: short protein forms S483*.
Identifiers: ClinVar variation 530155 (VCV000530155.20), dbSNP rs1057520736, ClinGen allele CA395131234.